The following is an entry in ClinVar:

NM_001165963.4(SCN1A):c.1842C>G (p.His614Gln)

Gene: SCN1A (sodium voltage-gated channel alpha subunit 1; minus strand). Cytogenetic location: 2q24.3.
Variant type: single nucleotide variant.
Coding change: c.1842C>G on transcript NM_001165963.4 (MANE Select); coding-DNA position 1842, C replaced by G.
Protein change: p.His614Gln; replaces histidine 614 with glutamine.
Molecular consequence: missense variant. On other transcripts: 5 prime UTR variant (1), non-coding transcript variant (1).
Genome position (GRCh38, 1-based): chr2:166,043,870, G>C on the plus strand (C>G on the coding strand, the complement: SCN1A is on the minus strand). VCF-style: chr2-166043870-G-C. GRCh37 (hg19) VCF-style: chr2-166900380-G-C.
Other names: c.1842C>G, p.His614Gln (NM_001165964.3, NM_001202435.3, NM_001353948.2 and 7 more transcripts); c.1839C>G, p.His613Gln (NM_001353954.2, NM_001353955.2, NM_001353960.2); c.-584C>G (NM_001353961.2); short protein forms H613Q, H614Q.
Identifiers: ClinVar variation 1941891 (VCV001941891.5), dbSNP rs370463183, ClinGen allele CA349067481.

ClinVar aggregate classification (germline): Uncertain significance (1 of 4 stars; one submission).

Conditions:
Early-infantile DEE. Also called: Early infantile epileptic encephalopathy; Ohtahara syndrome; Early infantile epileptic encephalopathy with suppression bursts. Identifiers: Orphanet 1934, MedGen C0393706, MONDO:0800491.

gnomAD v4.1: 1 of 1,614,152 alleles (0.000062%); highest among the groups gnomAD compares: Non-Finnish European, 0.000085%; no homozygotes.

Submission:

Labcorp Genetics (formerly Invitae), Labcorp
Classification: Uncertain significance for Early-infantile DEE. Last evaluated: 2022-07-17. Review status: criteria provided, single submitter. Criteria: Invitae Variant Classification Sherloc (09022015). Collection method: clinical testing. Allele origin: germline.
Comment: In summary, the available evidence is currently insufficient to determine the role of this variant in disease. Therefore, it has been classified as a Variant of Uncertain Significance. Advanced modeling of protein sequence and biophysical properties (such as structural, functional, and spatial information, amino acid conservation, physicochemical variation, residue mobility, and thermodynamic stability) performed at Invitae indicates that this missense variant is not expected to disrupt SCN1A protein function. This variant has not been reported in the literature in individuals affected with SCN1A-related conditions. This variant is not present in population databases (gnomAD no frequency). This sequence change replaces histidine, which is basic and polar, with glutamine, which is neutral and polar, at codon 614 of the SCN1A protein (p.His614Gln).